The following is an entry in ClinVar:

NM_000090.4(COL3A1):c.3560C>T (p.Pro1187Leu)

Gene: COL3A1 (collagen type III alpha 1 chain; plus strand). Cytogenetic location: 2q32.2.
Variant type: single nucleotide variant.
Coding change: c.3560C>T on transcript NM_000090.4 (MANE Select); coding-DNA position 3560, C replaced by T.
Protein change: p.Pro1187Leu; replaces proline 1187 with leucine.
Molecular consequence: missense variant.
Genome position (GRCh38, 1-based): chr2:189,008,958, C>T. VCF-style: chr2-189008958-C-T. GRCh37 (hg19) VCF-style: chr2-189873684-C-T.
Other names: short protein forms P1187L.
Identifiers: ClinVar variation 4760298 (VCV004760298.1).
Genomic context (GRCh38, chr2:189,008,958, plus strand): 5'-AATGATCCATGTTTTACTCATTCTAGGGCTCCCCAGGCCACCCAGGGCAACCAGGCCCTC[C>T]TGGACCTCCTGGTGCCCCTGGTCCTTGCTGTGGTGGTGTTGGAGCCGCTGCCATTGCTGG-3'
Protein context (NP_000081.2, residues 1177-1197): SPGHPGQPGP[Pro1187Leu]GPPGAPGPCC

ClinVar aggregate classification (germline): Uncertain significance (1 of 4 stars; one submission).

Conditions:
Ehlers-Danlos syndrome, type 4 (EDSVASC). Also called: Ehlers-Danlos syndrome vascular type; Ehlers Danlos syndrome, ecchymotic type; Ehlers Danlos syndrome, arterial type; Ehlers Danlos syndrome, Sack-Barabas type; Ehlers-Danlos Syndrome Type IV. Identifiers: Orphanet 286, MedGen C0268338, MONDO:0017314, OMIM 130050.

Submission:

Labcorp Genetics (formerly Invitae), Labcorp
Classification: Uncertain significance for Ehlers-Danlos syndrome, type 4. Last evaluated: 2025-03-20. Review status: criteria provided, single submitter. Criteria: Invitae Variant Classification Sherloc (09022015). Collection method: clinical testing. Allele origin: germline.
Comment: This sequence change replaces proline, which is neutral and non-polar, with leucine, which is neutral and non-polar, at codon 1187 of the COL3A1 protein (p.Pro1187Leu). This variant is not present in population databases (gnomAD no frequency). This variant has not been reported in the literature in individuals affected with COL3A1-related conditions. Invitae Evidence Modeling of protein sequence and biophysical properties (such as structural, functional, and spatial information, amino acid conservation, physicochemical variation, residue mobility, and thermodynamic stability) has been performed for this missense variant. However, the output from this modeling did not meet the statistical confidence thresholds required to predict the impact of this variant on COL3A1 protein function. In summary, the available evidence is currently insufficient to determine the role of this variant in disease. Therefore, it has been classified as a Variant of Uncertain Significance.